The following is an entry in ClinVar:

ClinVar aggregate classification (germline): Uncertain significance (1 of 4 stars; one submission).

Allele frequency attached by ClinVar (database versions not stated): gnomAD exomes below 0.00001; ExAC 0.00002.
gnomAD v4.1: 3 of 1,614,096 alleles (0.00019%); highest among the groups gnomAD compares: Middle Eastern, 0.033%; no homozygotes.

Submission:

Labcorp Genetics (formerly Invitae), Labcorp
Classification: Uncertain significance. Last evaluated: 2025-07-28. Review status: criteria provided, single submitter. Criteria: Invitae Variant Classification Sherloc (09022015). Collection method: clinical testing. Allele origin: germline.
Comment: This sequence change replaces threonine, which is neutral and polar, with alanine, which is neutral and non-polar, at codon 133 of the HPS5 protein (p.Thr133Ala). This variant is present in population databases (rs761615220, gnomAD 0.002%). This variant has not been reported in the literature in individuals affected with HPS5-related conditions. ClinVar contains an entry for this variant (Variation ID: 1715181). An algorithm developed to predict the effect of missense changes on protein structure and function (PolyPhen-2) suggests that this variant is likely to be disruptive. In summary, the available evidence is currently insufficient to determine the role of this variant in disease. Therefore, it has been classified as a Variant of Uncertain Significance.

NM_181507.2(HPS5):c.397A>G (p.Thr133Ala)

Gene: HPS5 (HPS5 biogenesis of lysosomal organelles complex 2 subunit 2; minus strand). Cytogenetic location: 11p15.1.
Variant type: single nucleotide variant.
Coding change: c.397A>G on transcript NM_181507.2 (MANE Select); coding-DNA position 397, A replaced by G.
Protein change: p.Thr133Ala; replaces threonine 133 with alanine.
Molecular consequence: missense variant.
Genome position (GRCh38, 1-based): chr11:18,310,821, T>C on the plus strand (A>G on the coding strand, the complement: HPS5 is on the minus strand). VCF-style: chr11-18310821-T-C. GRCh37 (hg19) VCF-style: chr11-18332368-T-C.
Other names: c.55A>G, p.Thr19Ala (NM_007216.4, NM_181508.2); short protein forms T133A, T19A.
Identifiers: ClinVar variation 1715181 (VCV001715181.4), dbSNP rs761615220, ClinGen allele CA5910444.